The following is an entry in ClinVar:

NM_153700.2(STRC):c.3306+3A>G

Gene: STRC (stereocilin; minus strand). Cytogenetic location: 15q15.3.
Variant type: single nucleotide variant.
Coding change: c.3306+3A>G on transcript NM_153700.2 (MANE Select); 3 bases into the intron after coding-DNA position 3306, A replaced by G.
Molecular consequence: intron variant.
Genome position (GRCh38, 1-based): chr15:43,611,145, T>C on the plus strand (A>G on the coding strand, the complement: STRC is on the minus strand). VCF-style: chr15-43611145-T-C. GRCh37 (hg19) VCF-style: chr15-43903343-T-C.
Identifiers: ClinVar variation 3355793 (VCV003355793.1).
Genomic context (GRCh38, chr15:43,611,145, plus strand): 5'-CTTCCTCCCAACCAGAAAGAGCCGGTATCCCTGATTATCTCATCCTCCTTGCCACTCTCA[T>C]ACCCGAAAGGTCTGCAGCAGTGCTGCGGTCTGGCAGGCTGAGAGGCGTGACAGTTCAGGG-3'

ClinVar aggregate classification (germline): Uncertain significance (0 of 4 stars; one submission).

Conditions:
STRC-related disorder. Also called: STRC-related condition.

Submission:

PreventionGenetics, part of Exact Sciences
Classification: Uncertain significance for STRC-related condition. Last evaluated: 2024-09-06. Review status: no assertion criteria provided. Collection method: clinical testing. Allele origin: germline.
Comment: The STRC c.3306+3A>G variant is predicted to interfere with splicing. This variant is predicted to decrease the strength of the canonical donor splice site (SpliceAI, Jaganathan et al. 2019. PubMed ID: 30661751). To our knowledge, this variant has not been reported in the literature. This variant is reported in 0.011% of alleles in individuals of African descent in gnomAD. This variant falls within a highly paralogous region. Allele frequency data should be interpreted with caution. At this time, the clinical significance of this variant is uncertain due to the absence of conclusive functional and genetic evidence.